The following is an entry in ClinVar:

ClinVar aggregate classification (germline): Uncertain significance (1 of 4 stars; one submission).

Allele frequency attached by ClinVar (database versions not stated): ESP Exome Variant Server 0.00008.
gnomAD v4.1: 3 of 1,614,164 alleles (0.00019%); highest among the groups gnomAD compares: Non-Finnish European, 0.00025%; no homozygotes.

Submission:

Ambry Genetics
Classification: Uncertain significance. Last evaluated: 2022-11-23. Review status: criteria provided, single submitter. Criteria: Ambry Variant Classification Scheme 2023. Collection method: clinical testing. Allele origin: germline.
Comment: The p.N679S variant (also known as c.2036A>G), located in coding exon 13 of the NPAT gene, results from an A to G substitution at nucleotide position 2036. The asparagine at codon 679 is replaced by serine, an amino acid with highly similar properties. This amino acid position is conserved. In addition, this alteration is predicted to be tolerated by in silico analysis. Since supporting evidence is limited at this time, the clinical significance of this alteration remains unclear.

NM_002519.3(NPAT):c.2036A>G (p.Asn679Ser)

Gene: NPAT (nuclear protein, coactivator of histone transcription; minus strand). Cytogenetic location: 11q22.3.
Variant type: single nucleotide variant.
Coding change: c.2036A>G on transcript NM_002519.3 (MANE Select); coding-DNA position 2036, A replaced by G.
Protein change: p.Asn679Ser; replaces asparagine 679 with serine.
Molecular consequence: missense variant.
Genome position (GRCh38, 1-based): chr11:108,172,948, T>C on the plus strand (A>G on the coding strand, the complement: NPAT is on the minus strand). VCF-style: chr11-108172948-T-C. GRCh37 (hg19) VCF-style: chr11-108043675-T-C.
Other names: c.2036A>G, p.Asn679Ser (NM_001321307.1); short protein forms N679S.
Identifiers: ClinVar variation 2453737 (VCV002453737.2), dbSNP rs373970446, ClinGen allele CA6263896.